The following is an entry in ClinVar:

NM_001204.7(BMPR2):c.900C>G (p.Ser300Arg)

Gene: BMPR2 (bone morphogenetic protein receptor type 2; plus strand). Cytogenetic location: 2q33.2.
Variant type: single nucleotide variant.
Coding change: c.900C>G on transcript NM_001204.7 (MANE Select); coding-DNA position 900, C replaced by G.
Protein change: p.Ser300Arg; replaces serine 300 with arginine.
Molecular consequence: missense variant.
Genome position (GRCh38, 1-based): chr2:202,520,134, C>G. VCF-style: chr2-202520134-C-G. GRCh37 (hg19) VCF-style: chr2-203384857-C-G.
Other names: short protein forms S300R.
Identifiers: ClinVar variation 3585266 (VCV003585266.2).
Genomic context (GRCh38, chr2:202,520,134, plus strand): 5'-TTCCTCTATATAGGGATCTTTATGCAAGTATTTAAGTCTCCACACAAGTGACTGGGTAAG[C>G]TCTTGCCGTCTTGCTCATTCTGTTACTAGAGGACTGGCTTATCTTCACACAGAATTACCA-3'
Protein context (NP_001195.2, residues 290-310): YLSLHTSDWV[Ser300Arg]SCRLAHSVTR

ClinVar aggregate classification (germline): Uncertain significance. Review status: criteria provided, multiple submitters, no conflicts (2 of 4 stars). 2 submissions from 2 submitters: Uncertain significance (2). Last evaluated 2025-03-21.

Conditions:
Pulmonary hypertension, primary, 1 (PPH1). Also called: Pulmonary hypertension, familial primary, 1, with or without HHT. Identifiers: Orphanet 422, MedGen C4552070, MONDO:0024533, OMIM 178600.
Pulmonary venoocclusive disease 1 (PVOD1). Also called: Pulmonary venoocclusive disease 1, autosomal dominant. Identifiers: Orphanet 31837, MedGen C3887658, MONDO:0020713, OMIM 265450.
Inborn genetic diseases. Identifiers: MedGen C0950123, MeSH D030342.

gnomAD v4.1: 1 of 1,613,158 alleles (0.000062%); highest among the groups gnomAD compares: African/African-American, 0.0013%; no homozygotes.

Submissions (2):

Ambry Genetics
Classification: Uncertain significance for Inborn genetic diseases. Last evaluated: 2025-03-21. Review status: criteria provided, single submitter. Criteria: Ambry Variant Classification Scheme 2023. Collection method: clinical testing. Allele origin: germline.
Comment: The p.S300R variant (also known as c.900C>G), located in coding exon 7 of the BMPR2 gene, results from a C to G substitution at nucleotide position 900. The serine at codon 300 is replaced by arginine, an amino acid with dissimilar properties. This amino acid position is conserved. In addition, the in silico prediction for this alteration is inconclusive. Based on the available evidence, the clinical significance of this variant remains unclear.

Fulgent Genetics
Classification: Uncertain significance for Pulmonary hypertension, primary, 1; Pulmonary venoocclusive disease 1. Last evaluated: 2024-05-28. Review status: criteria provided, single submitter. Criteria: ACMG Guidelines, 2015. Collection method: clinical testing. Allele origin: germline.